The following is an entry in ClinVar:

NM_001378477.3(NYX):c.1283C>T (p.Thr428Ile)

Gene: NYX (nyctalopin; plus strand). Cytogenetic location: Xp11.4.
Variant type: single nucleotide variant.
Coding change: c.1283C>T on transcript NM_001378477.3 (MANE Select); coding-DNA position 1283, C replaced by T.
Protein change: p.Thr428Ile; replaces threonine 428 with isoleucine.
Molecular consequence: missense variant.
Genome position (GRCh38, 1-based): chrX:41,474,751, C>T. VCF-style: chrX-41474751-C-T. GRCh37 (hg19) VCF-style: chrX-41334004-C-T.
Other names: c.1283C>T, p.Thr428Ile (NM_022567.3); short protein forms T428I.
Identifiers: ClinVar variation 2851261 (VCV002851261.3), dbSNP rs747726317, ClinGen allele CA10389940.

ClinVar aggregate classification (germline): Uncertain significance (1 of 4 stars; one submission).

Allele frequency attached by ClinVar (database versions not stated): gnomAD exomes below 0.00001; ExAC 0.00003.
gnomAD v4.1: 1 of 1,193,446 alleles (0.000084%); highest among the groups gnomAD compares: South Asian, 0.0018%; no homozygotes.

Submission:

Labcorp Genetics (formerly Invitae), Labcorp
Classification: Uncertain significance. Last evaluated: 2023-03-31. Review status: criteria provided, single submitter. Criteria: Invitae Variant Classification Sherloc (09022015). Collection method: clinical testing. Allele origin: germline.
Comment: In summary, the available evidence is currently insufficient to determine the role of this variant in disease. Therefore, it has been classified as a Variant of Uncertain Significance. Algorithms developed to predict the effect of missense changes on protein structure and function output the following: SIFT: "Not Available"; PolyPhen-2: "Benign"; Align-GVGD: "Not Available". The isoleucine amino acid residue is found in multiple mammalian species, which suggests that this missense change does not adversely affect protein function. This variant has not been reported in the literature in individuals affected with NYX-related conditions. The frequency data for this variant in the population databases is considered unreliable, as metrics indicate poor data quality at this position in the gnomAD database. This sequence change replaces threonine, which is neutral and polar, with isoleucine, which is neutral and non-polar, at codon 433 of the NYX protein (p.Thr433Ile).